The following is an entry in ClinVar:

NM_001393769.1(MED12L):c.3665-6A>G

Genes: MED12L (mediator complex subunit 12L; plus strand), P2RY12 (purinergic receptor P2Y12; minus strand). Cytogenetic location: 3q25.1.
Variant type: single nucleotide variant.
Coding change: c.3665-6A>G on transcript NM_001393769.1 (MANE Select); 6 bases into the intron before coding-DNA position 3665, A replaced by G.
Molecular consequence: intron variant.
Genome position (GRCh38, 1-based): chr3:151,372,561, A>G. VCF-style: chr3-151372561-A-G. GRCh37 (hg19) VCF-style: chr3-151090349-A-G.
Other names: c.3560-6A>G (NM_053002.6); c.-180+12131T>C (NM_022788.5).
Identifiers: ClinVar variation 3898129 (VCV003898129.7).
Genomic context (GRCh38, chr3:151,372,561, plus strand): 5'-TGCTCCTCAATTATTTGGCAATATTTTGAACTTCTGTGATTTTGCTTTTGTGATTCTATT[A>G]CTTAGGAGATGCCAAAATTGGCAATAACAGTGTCAGCTCTTTAAAGAATGATGACTTCAC-3'

ClinVar aggregate classification (germline): Uncertain significance (1 of 4 stars; one submission).

gnomAD v4.1: 6 of 1,611,886 alleles (0.00037%); highest among the groups gnomAD compares: Admixed American, 0.0017%; no homozygotes.

Submission:

CeGaT Center for Human Genetics Tuebingen
Classification: Uncertain significance. Last evaluated: 2025-04-01. Review status: criteria provided, single submitter. Criteria: CeGaT Center For Human Genetics Tuebingen Variant Classification Criteria Version 2. Collection method: clinical testing. Allele origin: germline. Affected: yes. Observed: 1 variant allele.
Comment: MED12L: PM2:Supporting, BP4